The following is an entry in ClinVar:

ClinVar aggregate classification (germline): Uncertain significance (1 of 4 stars; one submission).

gnomAD v4.1: 3 of 1,259,884 alleles (0.00024%); highest among the groups gnomAD compares: African/African-American, 0.0046%; no homozygotes.

Submission:

Labcorp Genetics (formerly Invitae), Labcorp
Classification: Uncertain significance. Last evaluated: 2021-08-05. Review status: criteria provided, single submitter. Criteria: Invitae Variant Classification Sherloc (09022015). Collection method: clinical testing. Allele origin: germline.
Comment: This sequence change replaces arginine with leucine at codon 87 of the LTBP4 protein (p.Arg87Leu). The arginine residue is moderately conserved and there is a moderate physicochemical difference between arginine and leucine. The frequency data for this variant in the population databases is considered unreliable, as metrics indicate insufficient coverage at this position in the ExAC database. In summary, the available evidence is currently insufficient to determine the role of this variant in disease. Therefore, it has been classified as a Variant of Uncertain Significance. Experimental studies and prediction algorithms are not available or were not evaluated, and the functional significance of this variant is currently unknown. This variant has not been reported in the literature in individuals affected with LTBP4-related conditions.

NM_003573.2(LTBP4):c.260G>T (p.Arg87Leu)

Gene: LTBP4 (latent transforming growth factor beta binding protein 4; plus strand). Cytogenetic location: 19q13.2.
Variant type: single nucleotide variant.
Coding change: c.260G>T on transcript NM_003573.2; coding-DNA position 260, G replaced by T.
Protein change: p.Arg87Leu; replaces arginine 87 with leucine.
Molecular consequence: missense variant.
Genome position (GRCh38, 1-based): chr19:40,600,097, G>T. VCF-style: chr19-40600097-G-T. GRCh37 (hg19) VCF-style: chr19-41106003-G-T.
Other names: c.371G>T, p.Arg124Leu (NM_001042544.1); short protein forms R87L, R124L.
Identifiers: ClinVar variation 1409474 (VCV001409474.7), dbSNP rs768294234, ClinGen allele CA405930163.
Genomic context (GRCh38, chr19:40,600,097, plus strand): 5'-GACAGCAGCTTTTCCGTCCTCTCCCACCCAGGCTCCAGGAGGCCAGAGCTCTACTGAAGC[G>T]GCGGCGGCCCCGGGGGCCAGGGGGCCGGGGACTACTGAGAAGGAGGCCCCCACAGCGTGC-3'